The following is an entry in ClinVar:

NM_002874.5(RAD23B):c.966G>A (p.Glu322=)

Gene: RAD23B (RAD23 nucleotide excision repair protein B; plus strand). Cytogenetic location: 9q31.2.
Variant type: single nucleotide variant.
Coding change: c.966G>A on transcript NM_002874.5 (MANE Select); coding-DNA position 966, G replaced by A.
Protein change: p.Glu322=; no amino-acid change (glutamic acid 322 retained).
Molecular consequence: synonymous variant.
Genome position (GRCh38, 1-based): chr9:107,324,854, G>A. VCF-style: chr9-107324854-G-A. GRCh37 (hg19) VCF-style: chr9-110087135-G-A.
Other names: c.903G>A, p.Glu301= (NM_001244713.1); c.750G>A, p.Glu250= (NM_001244724.2).
Identifiers: ClinVar variation 4977700 (VCV004977700.1).

ClinVar aggregate classification (germline): Likely benign (1 of 4 stars; one submission).

Conditions:
RAD23B-related disorder. Also called: RAD23B-related condition.

gnomAD v4.1: 30 of 1,609,512 alleles (0.0019%); highest among the groups gnomAD compares: Non-Finnish European, 0.0024%; no homozygotes.

Submission:

PreventionGenetics, part of Exact Sciences
Classification: Likely benign for RAD23B-related condition. Last evaluated: 2026-07-29. Review status: criteria provided, single submitter. Criteria: ACMG Guidelines, 2015. Collection method: clinical testing. Allele origin: germline.
Comment: This variant is classified as likely benign based on ACMG/AMP sequence variant interpretation guidelines (Richards et al. 2015 PMID: 25741868, with internal and published modifications).